The following is an entry in ClinVar:

ClinVar aggregate classification (germline): Uncertain significance (1 of 4 stars; one submission).

gnomAD v4.1: 22 of 1,609,238 alleles (0.0014%); highest among the groups gnomAD compares: African/African-American, 0.008%; no homozygotes.

Submission:

GeneDx
Classification: Uncertain significance. Last evaluated: 2026-09-26. Review status: criteria provided, single submitter. Criteria: GeneDx Variant Classification Process June 2021. Collection method: clinical testing. Allele origin: germline.
Comment: In silico analysis suggests that this missense variant does not alter protein structure/function; Has not been previously published as pathogenic or benign to our knowledge

NM_001005388.3(NFASC):c.2359G>A (p.Val787Met)

Gene: NFASC (neurofascin; plus strand). Cytogenetic location: 1q32.1.
Variant type: single nucleotide variant.
Coding change: c.2359G>A on transcript NM_001005388.3 (MANE Select); coding-DNA position 2359, G replaced by A.
Protein change: p.Val787Met; replaces valine 787 with methionine.
Molecular consequence: missense variant.
Genome position (GRCh38, 1-based): chr1:204,981,909, G>A. VCF-style: chr1-204981909-G-A. GRCh37 (hg19) VCF-style: chr1-204951037-G-A.
Other names: c.2392G>A, p.Val798Met (NM_001160331.2); c.2347G>A, p.Val783Met (NM_001160332.2, NM_001365986.1, NM_015090.4); c.2359G>A, p.Val787Met (NM_001378329.1); short protein forms V783M, V787M, V798M.
Identifiers: ClinVar variation 4282194 (VCV004282194.2).